The following is an entry in ClinVar:

NM_152703.5(SAMD9L):c.1460T>C (p.Leu487Pro)

Gene: SAMD9L (sterile alpha motif domain containing 9 like; minus strand). Cytogenetic location: 7q21.2.
Variant type: single nucleotide variant.
Coding change: c.1460T>C on transcript NM_152703.5 (MANE Select); coding-DNA position 1460, T replaced by C.
Protein change: p.Leu487Pro; replaces leucine 487 with proline.
Molecular consequence: missense variant.
Genome position (GRCh38, 1-based): chr7:93,134,512, A>G on the plus strand (T>C on the coding strand, the complement: SAMD9L is on the minus strand). VCF-style: chr7-93134512-A-G. GRCh37 (hg19) VCF-style: chr7-92763825-A-G.
Other names: c.1460T>C, p.Leu487Pro (NM_001303496.3, NM_001303497.3, NM_001303498.3 and 5 more transcripts); short protein forms L487P.
Identifiers: ClinVar variation 3949810 (VCV003949810.2).

ClinVar aggregate classification (germline): Uncertain significance. Review status: criteria provided, multiple submitters, no conflicts (2 of 4 stars). 2 submissions from 2 submitters: Uncertain significance (2). Last evaluated 2025-12-21.

Conditions:
Inborn genetic diseases. Identifiers: MedGen C0950123, MeSH D030342.

Submissions (2):

Labcorp Genetics (formerly Invitae), Labcorp
Classification: Uncertain significance. Last evaluated: 2025-12-21. Review status: criteria provided, single submitter. Criteria: Invitae Variant Classification Sherloc (09022015). Collection method: clinical testing. Allele origin: germline.
Comment: This sequence change replaces leucine, which is neutral and non-polar, with proline, which is neutral and non-polar, at codon 487 of the SAMD9L protein (p.Leu487Pro). This variant is not present in population databases (gnomAD no frequency). This variant has not been reported in the literature in individuals affected with SAMD9L-related conditions. ClinVar contains an entry for this variant (Variation ID: 3949810). Invitae Evidence Modeling of protein sequence and biophysical properties (such as structural, functional, and spatial information, amino acid conservation, physicochemical variation, residue mobility, and thermodynamic stability) indicates that this missense variant is expected to disrupt SAMD9L protein function with a positive predictive value of 80%. In summary, the available evidence is currently insufficient to determine the role of this variant in disease. Therefore, it has been classified as a Variant of Uncertain Significance.

Ambry Genetics
Classification: Uncertain significance for Inborn genetic diseases. Last evaluated: 2025-04-06. Review status: criteria provided, single submitter. Criteria: Ambry Variant Classification Scheme 2023. Collection method: clinical testing. Allele origin: germline.
Comment: The p.L487P variant (also known as c.1460T>C), located in coding exon 1 of the SAMD9L gene, results from a T to C substitution at nucleotide position 1460. The leucine at codon 487 is replaced by proline, an amino acid with similar properties. This amino acid position is conserved. In addition, the in silico prediction for this alteration is inconclusive. Based on the available evidence, the clinical significance of this variant remains unclear.